The following is an entry in ClinVar:

NM_000135.4(FANCA):c.483C>T (p.Phe161=)

Gene: FANCA (FA complementation group A; minus strand). Cytogenetic location: 16q24.3.
Variant type: single nucleotide variant.
Coding change: c.483C>T on transcript NM_000135.4 (MANE Select); coding-DNA position 483, C replaced by T.
Protein change: p.Phe161=; no amino-acid change (phenylalanine 161 retained).
Molecular consequence: synonymous variant. On other transcripts: intron variant (1).
Genome position (GRCh38, 1-based): chr16:89,810,746, G>A on the plus strand (C>T on the coding strand, the complement: FANCA is on the minus strand). VCF-style: chr16-89810746-G-A. GRCh37 (hg19) VCF-style: chr16-89877154-G-A.
Other names: c.483C>T (NM_000135.3); c.483C>T, p.Phe161= (NM_001018112.3, NM_001286167.3); c.426+183C>T (NM_001351830.2).
Identifiers: ClinVar variation 1116746 (VCV001116746.34), dbSNP rs769389376, ClinGen allele CA8252995.

ClinVar aggregate classification (germline): Likely benign. Review status: criteria provided, multiple submitters, no conflicts (2 of 4 stars). 4 submissions from 4 submitters: Likely benign (4). Last evaluated 2026-02-04.

Conditions:
Fanconi anemia (FA). Also called: Fanconi's anemia. Identifiers: Orphanet 84, MedGen C0015625, MeSH D005199, MONDO:0019391.
Fanconi anemia complementation group A (FANCA). Also called: Fanconi anemia, group A; FANCA-Related Fanconi Anemia. Identifiers: Orphanet 84, MedGen C3469521, MONDO:0009215, OMIM 227650.

Allele frequency attached by ClinVar (database versions not stated): gnomAD 0.00001; ExAC 0.00002; gnomAD exomes 0.00002; TOPMed 0.00002.
gnomAD v4.1: 31 of 1,612,872 alleles (0.0019%); highest among the groups gnomAD compares: South Asian, 0.0099%; no homozygotes.

Submissions (4):

Labcorp Genetics (formerly Invitae), Labcorp
Classification: Likely benign for Fanconi anemia. Last evaluated: 2026-02-04. Review status: criteria provided, single submitter. Criteria: Invitae Variant Classification Sherloc (09022015). Collection method: clinical testing. Allele origin: germline.

Quest Diagnostics Nichols Institute San Juan Capistrano
Classification: Likely benign. Last evaluated: 2025-02-17. Review status: criteria provided, single submitter. Criteria: Quest Diagnostics criteria. Collection method: clinical testing. Allele origin: unknown.

Fulgent Genetics
Classification: Likely benign for Fanconi anemia complementation group A. Last evaluated: 2022-04-08. Review status: criteria provided, single submitter. Criteria: ACMG Guidelines, 2015. Collection method: clinical testing. Allele origin: unknown.

CeGaT Center for Human Genetics Tuebingen
Classification: Likely benign. Last evaluated: 2022-03-01. Review status: criteria provided, single submitter. Criteria: CeGaT Center For Human Genetics Tuebingen Variant Classification Criteria Version 2. Collection method: clinical testing. Allele origin: germline. Affected: yes. Observed: 1 variant allele.
Comment: FANCA: BP4, BP7